The following is an entry in ClinVar:

ClinVar aggregate classification (germline): Uncertain significance. Review status: criteria provided, multiple submitters, no conflicts (2 of 4 stars). 2 submissions from 2 submitters: Uncertain significance (2). Last evaluated 2024-10-06.

Conditions:
Inborn genetic diseases. Identifiers: MedGen C0950123, MeSH D030342.

Allele frequency attached by ClinVar (database versions not stated): gnomAD exomes below 0.00001; gnomAD 0.00001; TOPMed 0.00001.
gnomAD v4.1: 3 of 1,614,052 alleles (0.00019%); highest among the groups gnomAD compares: African/African-American, 0.0013%; no homozygotes.

Submissions (2):

Ambry Genetics
Classification: Uncertain significance for Inborn genetic diseases. Last evaluated: 2024-10-06. Review status: criteria provided, single submitter. Criteria: Ambry Variant Classification Scheme 2023. Collection method: clinical testing. Allele origin: germline.

Labcorp Genetics (formerly Invitae), Labcorp
Classification: Uncertain significance. Last evaluated: 2024-02-17. Review status: criteria provided, single submitter. Criteria: Invitae Variant Classification Sherloc (09022015). Collection method: clinical testing. Allele origin: germline.
Comment: This sequence change replaces alanine, which is neutral and non-polar, with threonine, which is neutral and polar, at codon 1299 of the SZT2 protein (p.Ala1299Thr). This variant is present in population databases (no rsID available, gnomAD 0.007%). This variant has not been reported in the literature in individuals affected with SZT2-related conditions. ClinVar contains an entry for this variant (Variation ID: 1937574). Advanced modeling of protein sequence and biophysical properties (such as structural, functional, and spatial information, amino acid conservation, physicochemical variation, residue mobility, and thermodynamic stability) performed at Invitae indicates that this missense variant is not expected to disrupt SZT2 protein function with a negative predictive value of 80%. In summary, the available evidence is currently insufficient to determine the role of this variant in disease. Therefore, it has been classified as a Variant of Uncertain Significance.

NM_001365999.1(SZT2):c.4066G>A (p.Ala1356Thr)

Gene: SZT2 (SZT2 subunit of KICSTOR complex; plus strand). Cytogenetic location: 1p34.2.
Variant type: single nucleotide variant.
Coding change: c.4066G>A on transcript NM_001365999.1 (MANE Select); coding-DNA position 4066, G replaced by A.
Protein change: p.Ala1356Thr; replaces alanine 1356 with threonine.
Molecular consequence: missense variant.
Genome position (GRCh38, 1-based): chr1:43,428,386, G>A. VCF-style: chr1-43428386-G-A. GRCh37 (hg19) VCF-style: chr1-43894057-G-A.
Other names: c.3895G>A (NM_015284.3); c.3895G>A, p.Ala1299Thr (NM_015284.4); short protein forms A1356T, A1299T.
Identifiers: ClinVar variation 1937574 (VCV001937574.6), dbSNP rs1464611611, ClinGen allele CA340019919.